The following is an entry in ClinVar:

ClinVar aggregate classification (germline): Pathogenic. Review status: criteria provided, multiple submitters, no conflicts (2 of 4 stars). 4 submissions from 4 submitters: Pathogenic (4). Last evaluated 2022-09-14.

Conditions:
MYBPC3-related disorder. Also called: MYBPC3-related disorders; MYBPC3-related condition; MYBPC3-related disease.
Hypertrophic cardiomyopathy 1 (CMH1). Also called: MYH7-Related Familial Hypertrophic Cardiomyopathy; Familial hypertrophic cardiomyopathy 1. Identifiers: MedGen C3495498, MONDO:0008647, OMIM 192600.
Hypertrophic cardiomyopathy. Also called: HYPERTROPHIC MYOCARDIOPATHY. Identifiers: Orphanet 217569, MedGen C0007194, MeSH D002312, MONDO:0005045, HP:0001639.

Submissions (4):

Labcorp Genetics (formerly Invitae), Labcorp
Classification: Pathogenic for Hypertrophic cardiomyopathy. Last evaluated: 2022-09-14. Review status: criteria provided, single submitter. Criteria: Invitae Variant Classification Sherloc (09022015). Collection method: clinical testing. Allele origin: germline.
Comment: For these reasons, this variant has been classified as Pathogenic. ClinVar contains an entry for this variant (Variation ID: 42632). This premature translational stop signal has been observed in individual(s) with hypertrophic cardiomyopathy (PMID: 23396983, 27532257, 28615295). This variant is not present in population databases (gnomAD no frequency). This sequence change creates a premature translational stop signal (p.Tyr842Leufs*42) in the MYBPC3 gene. It is expected to result in an absent or disrupted protein product. Loss-of-function variants in MYBPC3 are known to be pathogenic (PMID: 19574547).

Blueprint Genetics
Classification: Pathogenic for MYBPC3-related disorders. Last evaluated: 2022-05-04. Review status: criteria provided, single submitter. Criteria: ACMG Guidelines, 2015. Collection method: clinical testing. Allele origin: germline. Affected: yes. Observed: 1 variant allele.

Agnes Ginges Centre for Molecular Cardiology, Centenary Institute
Classification: Pathogenic for Hypertrophic cardiomyopathy 1. Last evaluated: 2015-05-30. Review status: criteria provided, single submitter. Criteria: Agnes Ginges Centre for Molecular Cardiology criteria (2015). Collection method: research. Allele origin: germline. Inheritance: Autosomal dominant inheritance. Affected: yes.
Comment: The MYBPC3 Tyr842fs variant is absent from the Exome Aggregation Consortium dataset. This MYBPC3 insertion variant (c.2525dupT) is predicted to interrupt the reading frame and lead to a premature stop codon, and a truncated or absent protein. Loss-of-function mutations in the MYBPC3 gene are an established mechanism of disease in HCM hence, we classify MYBPC3 Tyr842fs as "pathogenic".

Laboratory for Molecular Medicine, Mass General Brigham Personalized Medicine
Classification: Pathogenic for Hypertrophic cardiomyopathy. Last evaluated: 2011-05-26. Review status: criteria provided, single submitter. Criteria: LMM Criteria. Collection method: clinical testing. Allele origin: germline. Inheritance: Autosomal dominant inheritance. Observed: 1 variant allele.
Comment: The Tyr842fs variant has not been reported in the literature nor been previously detected in over 1,600 Caucasian probands tested by our laboratory. This varia nt meets our criteria for pathogenicity based on the following data. In addition, the variant is predicted to cause a frameshift, which al ters the protein's amino acid sequence beginning at codon 842 and leads to a pre mature stop codon 42 amino acids downstream. This alteration is then predicted t o lead to a truncated or absent protein (loss of function). Loss of function of the MYBPC3 gene is an established disease mechanism for HCM, which strongly supp orts a pathogenic role of the Tyr842fs variant.

Literature cited by the submitters: PubMed 23396983 (cited by Labcorp Genetics (formerly Invitae), Labcorp); PubMed 27532257 (cited by Labcorp Genetics (formerly Invitae), Labcorp); PubMed 28615295 (cited by Labcorp Genetics (formerly Invitae), Labcorp); PubMed 19574547 (cited by Labcorp Genetics (formerly Invitae), Labcorp).

NM_000256.3(MYBPC3):c.2524dup (p.Tyr842fs)

Gene: MYBPC3 (myosin binding protein C3; minus strand). Cytogenetic location: 11p11.2.
Variant type: Duplication.
Coding change: c.2524dup on transcript NM_000256.3 (MANE Select); coding-DNA position 2524, one base duplicated (T; older notation c.2524dupT).
Protein change: p.Tyr842fs; shifts the reading frame from tyrosine 842.
Genome position (GRCh38, 1-based): chr11:47,337,469, A duplicated on the plus strand (T on the coding strand, the reverse complement: MYBPC3 is on the minus strand). VCF-style (leftmost placement, unchanged base first): chr11-47337468-T-TA. GRCh37 (hg19) VCF-style: chr11-47359019-T-TA.
Other names: p.Tyr842LeufsX42; c.2524dupT (NM_000256.3); short protein forms Y842fs.
Identifiers: ClinVar variation 42632 (VCV000042632.10), dbSNP rs397515970, ClinGen allele CA012465.